The following is an entry in ClinVar:

ClinVar aggregate classification (germline): Uncertain significance (1 of 4 stars; one submission).

Conditions:
Hereditary cancer-predisposing syndrome. Also called: Neoplastic Syndromes, Hereditary; Tumor predisposition; Hereditary Cancer Syndrome; Hereditary neoplastic syndrome. Identifiers: Orphanet 140162, MedGen C0027672, MeSH D009386, MONDO:0015356.

Submission:

Ambry Genetics
Classification: Uncertain significance for Hereditary cancer-predisposing syndrome. Last evaluated: 2024-09-16. Review status: criteria provided, single submitter. Criteria: Ambry Variant Classification Scheme 2023. Collection method: clinical testing. Allele origin: germline.
Comment: The p.V2657A variant (also known as c.7970T>C), located in coding exon 15 of the APC gene, results from a T to C substitution at nucleotide position 7970. The valine at codon 2657 is replaced by alanine, an amino acid with similar properties. This amino acid position is conserved. In addition, in silico predictors for this gene do not accurately predict pathogenicity. Based on the available evidence, the clinical significance of this variant remains unclear.

NM_000038.6(APC):c.7970T>C (p.Val2657Ala)

Gene: APC (APC regulator of Wnt signaling pathway; plus strand). Cytogenetic location: 5q22.2.
Variant type: single nucleotide variant.
Coding change: c.7970T>C on transcript NM_000038.6 (MANE Select); coding-DNA position 7970, T replaced by C.
Protein change: p.Val2657Ala; replaces valine 2657 with alanine.
Molecular consequence: missense variant. On other transcripts: non-coding transcript variant (2).
Genome position (GRCh38, 1-based): chr5:112,843,564, T>C. VCF-style: chr5-112843564-T-C. GRCh37 (hg19) VCF-style: chr5-112179261-T-C.
Other names: c.7970T>C, p.Val2657Ala (NM_001127510.3, NM_001354895.2, NM_001407450.1); c.7916T>C, p.Val2639Ala (NM_001127511.3); c.7886T>C, p.Val2629Ala (NM_001354899.2); c.7847T>C, p.Val2616Ala (NM_001354900.2); c.8024T>C, p.Val2675Ala (NM_001354896.2, NM_001407447.1, NM_001407448.1 and 1 more transcripts); c.8000T>C, p.Val2667Ala (NM_001354897.2); c.7895T>C, p.Val2632Ala (NM_001354898.2); c.7793T>C, p.Val2598Ala (NM_001354901.2, NM_001407453.1); and 11 more; short protein forms V2497A, V2528A, V2657A, V2598A, V2667A, V2685A, V2273A, V2374A.
Identifiers: ClinVar variation 3411174 (VCV003411174.1).